The following is an entry in ClinVar:

ClinVar aggregate classification (germline): Uncertain significance. Review status: criteria provided, multiple submitters, no conflicts (2 of 4 stars). 3 submissions from 3 submitters: Uncertain significance (3). Last evaluated 2025-10-14.

Conditions:
Paramyotonia congenita of Von Eulenburg. Also called: PARALYSIS PERIODICA PARAMYOTONICA; Paramyotonia Congenita; Eulenburg disease; Myotonia congenita intermittens; Von Eulenburg paramyotonia congenita. Identifiers: Orphanet 684, MedGen C0221055, MONDO:0008195, OMIM 168300. Disease mechanism: loss of function.
Hypokalemic periodic paralysis, type 2 (HOKPP2). Identifiers: Orphanet 681, MedGen C2750061, MONDO:0013234, OMIM 613345.
Hypokalemic periodic paralysis, type 1. Also called: Hypokalemic Periodic Paralysis Type 1 (AD); HypoPP. Identifiers: Orphanet 681, MedGen C3714580, MONDO:0042979, OMIM 170400.
Potassium-aggravated myotonia. Also called: MYOTONIA CONGENITA, ACETAZOLAMIDE-RESPONSIVE; MYOTONIA CONGENITA, ATYPICAL; Myotonia congenita, atypical, acetazolamide-responsive; SODIUM CHANNEL MUSCLE DISEASE. Identifiers: Orphanet 612, Orphanet 99734, Orphanet 99735, Orphanet 99736, MedGen C2931826, MONDO:0018959, OMIM 608390.
Congenital myasthenic syndrome 16. Identifiers: Orphanet 590, MedGen C3280112, MONDO:0013620, OMIM 614198.
Hyperkalemic periodic paralysis. Also called: Familial hyperkalemic periodic paralysis; Gamstorp disease. Identifiers: Orphanet 682, MedGen C0238357, MONDO:0008224, OMIM 170500, HP:0007215.
Inborn genetic diseases. Identifiers: MedGen C0950123, MeSH D030342.

Allele frequency attached by ClinVar (database versions not stated): gnomAD exomes 0.00001; gnomAD 0.00001; TOPMed 0.00001.
gnomAD v4.1: 6 of 1,613,734 alleles (0.00037%); highest among the groups gnomAD compares: East Asian, 0.0067%; no homozygotes.

Submissions (3):

Ambry Genetics
Classification: Uncertain significance for Inborn genetic diseases. Last evaluated: 2025-10-14. Review status: criteria provided, single submitter. Criteria: Ambry Variant Classification Scheme 2023. Collection method: clinical testing. Allele origin: germline.
Comment: The c.3796G>A (p.E1266K) alteration is located in exon 21 (coding exon 21) of the SCN4A gene. This alteration results from a G to A substitution at nucleotide position 3796, causing the glutamic acid (E) at amino acid position 1266 to be replaced by a lysine (K). Based on data from gnomAD, the A allele has an overall frequency of 0.003% (1/31378) total alleles studied. The highest observed frequency was 0.007% (1/15422) of European (non-Finnish) alleles. Based on insufficient or conflicting evidence, the clinical significance of this alteration remains unclear.

Fulgent Genetics
Classification: Uncertain significance for Paramyotonia congenita of Von Eulenburg; Hypokalemic periodic paralysis, type 1; Hyperkalemic periodic paralysis; Potassium-aggravated myotonia; Hypokalemic periodic paralysis, type 2; Congenital myasthenic syndrome 16. Last evaluated: 2022-05-12. Review status: criteria provided, single submitter. Criteria: ACMG Guidelines, 2015. Collection method: clinical testing. Allele origin: unknown.

Labcorp Genetics (formerly Invitae), Labcorp
Classification: Uncertain significance for Hyperkalemic periodic paralysis. Last evaluated: 2017-09-21. Review status: criteria provided, single submitter. Criteria: Invitae Variant Classification Sherloc (09022015). Collection method: clinical testing. Allele origin: germline.
Comment: This variant is not present in population databases (ExAC no frequency). This sequence change replaces glutamic acid with lysine at codon 1266 of the SCN4A protein (p.Glu1266Lys). The glutamic acid residue is highly conserved and there is a small physicochemical difference between glutamic acid and lysine. Algorithms developed to predict the effect of missense changes on protein structure and function (SIFT, PolyPhen-2, Align-GVGD) all suggest that this variant is likely to be disruptive, but these predictions have not been confirmed by published functional studies and their clinical significance is uncertain. In summary, the available evidence is currently insufficient to determine the role of this variant in disease. Therefore, it has been classified as a Variant of Uncertain Significance. This variant has not been reported in the literature in individuals with SCN4A-related disease.

NM_000334.4(SCN4A):c.3796G>A (p.Glu1266Lys)

Genes: GH-LCR (growth hormone locus control region; plus strand), SCN4A (sodium voltage-gated channel alpha subunit 4; minus strand). Cytogenetic location: 17q23.3.
Variant type: single nucleotide variant.
Coding change: c.3796G>A on transcript NM_000334.4 (MANE Select); coding-DNA position 3796, G replaced by A.
Protein change: p.Glu1266Lys; replaces glutamic acid 1266 with lysine.
Molecular consequence: missense variant.
Genome position (GRCh38, 1-based): chr17:63,944,789, C>T on the plus strand (G>A on the coding strand, the complement: SCN4A is on the minus strand). VCF-style: chr17-63944789-C-T. GRCh37 (hg19) VCF-style: chr17-62022149-C-T.
Other names: short protein forms E1266K.
Identifiers: ClinVar variation 477419 (VCV000477419.10), dbSNP rs1398605254, ClinGen allele CA400617473.
Genomic context (GRCh38, chr17:63,944,789, plus strand): 5'-TGAAGAAGGAGCCAAAGATGATGAAGATGACAAAGTAGAGGTACATGTAGAGGTTCACCT[C>T]GTACTGCGGCTGCTCCTCCTTCTGTGGGAGCCACAGGGTGGGACGGCGTGGGTTTGCACG-3'
Protein context (NP_000325.4, residues 1256-1276): SREKEEQPQY[Glu1266Lys]VNLYMYLYFV